The following is an entry in ClinVar:

NM_000222.3(KIT):c.33C>G (p.Leu11=)

Gene: KIT (KIT proto-oncogene, receptor tyrosine kinase; plus strand). Cytogenetic location: 4q12.
Variant type: single nucleotide variant.
Coding change: c.33C>G on transcript NM_000222.3 (MANE Select); coding-DNA position 33, C replaced by G.
Protein change: p.Leu11=; no amino-acid change (leucine 11 retained).
Molecular consequence: synonymous variant.
Genome position (GRCh38, 1-based): chr4:54,658,047, C>G. VCF-style: chr4-54658047-C-G. GRCh37 (hg19) VCF-style: chr4-55524214-C-G.
Other names: c.33C>G, p.Leu11= (NM_001093772.2, NM_001385284.1, NM_001385285.1 and 4 more transcripts).
Identifiers: ClinVar variation 860993 (VCV000860993.15), dbSNP rs894439242, ClinGen allele CA96859705.

ClinVar aggregate classification (germline): Conflicting classifications of pathogenicity. Review status: criteria provided, conflicting classifications (1 of 4 stars). 5 submissions from 5 submitters: Uncertain significance (2); Benign (1); Likely benign (1). 1 of the submissions does not count toward it. Last evaluated 2026-06-02.

Conditions:
Gastrointestinal stromal tumor. Also called: Gastrointestinal stromal tumor, somatic; Gastrointestinal stroma tumor. Identifiers: Orphanet 44890, MedGen C0238198, MeSH D046152, MONDO:0011719, OMIM 606764, HP:0100723.
KIT-related disorder. Also called: KIT-related condition.
Hereditary cancer-predisposing syndrome. Also called: Neoplastic Syndromes, Hereditary; Tumor predisposition; Hereditary Cancer Syndrome; Hereditary neoplastic syndrome. Identifiers: Orphanet 140162, MedGen C0027672, MeSH D009386, MONDO:0015356.

Allele frequency attached by ClinVar (database versions not stated): TOPMed 0.00002; gnomAD exomes below 0.00001.
gnomAD v4.1: 4 of 1,613,870 alleles (0.00025%); highest among the groups gnomAD compares: African/African-American, 0.004%; no homozygotes.

Submissions (5):

Myriad Genetics, Inc.
Classification: Benign for Gastrointestinal stromal tumor. Last evaluated: 2026-06-02. Review status: criteria provided, single submitter. Criteria: Myriad Autosomal Dominant, Autosomal Recessive and X-Linked Classification Criteria (2023). Collection method: clinical testing. Allele origin: unknown.
Comment: This variant is considered benign. This variant is a silent/synonymous amino acid change and it is not expected to impact splicing.

Labcorp Genetics (formerly Invitae), Labcorp
Classification: Likely benign for Gastrointestinal stromal tumor. Last evaluated: 2026-01-05. Review status: criteria provided, single submitter. Criteria: Invitae Variant Classification Sherloc (09022015). Collection method: clinical testing. Allele origin: germline.

Ambry Genetics
Classification: Uncertain significance for Hereditary cancer-predisposing syndrome. Last evaluated: 2024-12-14. Review status: criteria provided, single submitter. Criteria: Ambry Variant Classification Scheme 2023. Collection method: clinical testing. Allele origin: germline.
Comment: The c.33C>G variant (also known as p.L11L), located in coding exon 1 of the KIT gene, results from a C to G substitution at nucleotide position 33. This nucleotide substitution does not change the amino acid at codon 11. This nucleotide position is highly conserved in available vertebrate species. In silico splice site analysis predicts that this alteration will result in the creation or strengthening of a novel splice donor site. Based on the available evidence, the clinical significance of this variant remains unclear.

GeneDx
Classification: Uncertain significance. Last evaluated: 2024-10-08. Review status: criteria provided, single submitter. Criteria: GeneDx Variant Classification Process June 2021. Collection method: clinical testing. Allele origin: germline. Affected: yes.
Comment: In silico analysis supports a deleterious effect on splicing; Has not been previously published as pathogenic or benign to our knowledge

PreventionGenetics, part of Exact Sciences
Classification: Likely benign for KIT-related condition. Last evaluated: 2023-05-10. Review status: no assertion criteria provided. Collection method: clinical testing. Allele origin: germline. Not counted in ClinVar's aggregate classification.
Comment: This variant is classified as likely benign based on ACMG/AMP sequence variant interpretation guidelines (Richards et al. 2015 PMID: 25741868, with internal and published modifications).